The following is an entry in ClinVar:

NM_000059.4(BRCA2):c.5996T>A (p.Val1999Glu)

Gene: BRCA2 (BRCA2 DNA repair associated; plus strand). Cytogenetic location: 13q13.1.
Variant type: single nucleotide variant.
Coding change: c.5996T>A on transcript NM_000059.4 (MANE Select); coding-DNA position 5996, T replaced by A.
Protein change: p.Val1999Glu; replaces valine 1999 with glutamic acid.
Molecular consequence: missense variant.
Genome position (GRCh38, 1-based): chr13:32,340,351, T>A. VCF-style: chr13-32340351-T-A. GRCh37 (hg19) VCF-style: chr13-32914488-T-A.
Other names: short protein forms V1999E.
Identifiers: ClinVar variation 481543 (VCV000481543.10), dbSNP rs1555284494, ClinGen allele CA387787667.

ClinVar aggregate classification (germline): Conflicting classifications of pathogenicity. Review status: criteria provided, conflicting classifications (1 of 4 stars). 3 submissions from 3 submitters: Uncertain significance (2); Likely benign (1). Last evaluated 2023-03-23.

Conditions:
Hereditary cancer-predisposing syndrome. Also called: Neoplastic Syndromes, Hereditary; Tumor predisposition; Hereditary Cancer Syndrome; Hereditary neoplastic syndrome. Identifiers: Orphanet 140162, MedGen C0027672, MeSH D009386, MONDO:0015356.
Hereditary breast ovarian cancer syndrome. Also called: Hereditary breast and ovarian cancer syndrome; Hereditary breast and ovarian cancer; Hereditary breast and ovarian cancer syndrome (HBOC); Breast and ovarian cancer; Hereditary breast and/or ovarian cancer syndrome; BRCA1- and BRCA2-Associated Hereditary Breast and Ovarian Cancer. Identifiers: Orphanet 145, MedGen C0677776, MeSH D061325, MONDO:0003582. Disease mechanism: loss of function.

Submissions (3):

University of Washington Department of Laboratory Medicine, University of Washington
Classification: Likely benign for Hereditary cancer-predisposing syndrome. Last evaluated: 2023-03-23. Review status: criteria provided, single submitter. Criteria: Dines et al. (Genet Med. 2020). Collection method: curation. Allele origin: germline.
Comment: Missense variant in a coldspot region where missense variants are very unlikely to be pathogenic (PMID:31911673).

BRCA2 exon 11 coldspot. Reclassification based on statistical prior probability.

Labcorp Genetics (formerly Invitae), Labcorp
Classification: Uncertain significance for Hereditary breast ovarian cancer syndrome. Last evaluated: 2022-11-02. Review status: criteria provided, single submitter. Criteria: Invitae Variant Classification Sherloc (09022015). Collection method: clinical testing. Allele origin: germline.
Comment: ClinVar contains an entry for this variant (Variation ID: 481543). This variant has not been reported in the literature in individuals affected with BRCA2-related conditions. This variant is not present in population databases (gnomAD no frequency). This sequence change replaces valine, which is neutral and non-polar, with glutamic acid, which is acidic and polar, at codon 1999 of the BRCA2 protein (p.Val1999Glu). In summary, the available evidence is currently insufficient to determine the role of this variant in disease. Therefore, it has been classified as a Variant of Uncertain Significance. Advanced modeling of protein sequence and biophysical properties (such as structural, functional, and spatial information, amino acid conservation, physicochemical variation, residue mobility, and thermodynamic stability) performed at Invitae indicates that this missense variant is not expected to disrupt BRCA2 protein function.

Ambry Genetics
Classification: Uncertain significance for Hereditary cancer-predisposing syndrome. Last evaluated: 2016-05-12. Review status: criteria provided, single submitter. Criteria: Ambry Variant Classification Scheme 2023. Collection method: clinical testing. Allele origin: germline.
Comment: The p.V1999E variant (also known as c.5996T>A), located in coding exon 10 of the BRCA2 gene, results from a T to A substitution at nucleotide position 5996. The valine at codon 1999 is replaced by glutamic acid, an amino acid with dissimilar properties. This variant was not reported in population based cohorts in the following databases: Database of Single Nucleotide Polymorphisms (dbSNP), NHLBI Exome Sequencing Project (ESP), and 1000 Genomes Project. In the ESP, this variant was not observed in 6501 samples (13002 alleles) with coverage at this position. To date, this alteration has been detected with an allele frequency of approximately 0.0004% (greater than 225000 alleles tested) in our clinical cohort. This amino acid position is poorly conserved in available vertebrate species. In addition, the in silico prediction for this alteration is inconclusive. Since supporting evidence is limited at this time, the clinical significance of this alteration remains unclear.